The following is an entry in ClinVar:

NM_004826.4(ECEL1):c.1797-10G>A

Gene: ECEL1 (endothelin converting enzyme like 1; minus strand). Cytogenetic location: 2q37.1.
Variant type: single nucleotide variant.
Coding change: c.1797-10G>A on transcript NM_004826.4 (MANE Select); 10 bases into the intron before coding-DNA position 1797, G replaced by A.
Molecular consequence: intron variant.
Genome position (GRCh38, 1-based): chr2:232,481,859, C>T on the plus strand (G>A on the coding strand, the complement: ECEL1 is on the minus strand). VCF-style: chr2-232481859-C-T. GRCh37 (hg19) VCF-style: chr2-233346569-C-T.
Other names: c.1791-10G>A (NM_001290787.2).
Identifiers: ClinVar variation 128951 (VCV000128951.10), dbSNP rs76290356, ClinGen allele CA152673.

ClinVar aggregate classification (germline): Benign. Review status: criteria provided, multiple submitters, no conflicts (2 of 4 stars). 4 submissions from 4 submitters: Benign (3). 1 of the submissions does not count toward it. Last evaluated 2018-11-11.

Allele frequency attached by ClinVar (database versions not stated): gnomAD 0.02730; ExAC 0.02480; gnomAD exomes 0.02513 and 0.02894; 1000 Genomes Project 0.00998; 1000 Genomes Project 30x 0.01046; ESP Exome Variant Server 0.02437; TOPMed 0.02290.

Submissions (4):

GeneDx
Classification: Benign. Last evaluated: 2018-11-11. Review status: criteria provided, single submitter. Criteria: GeneDx Variant Classification Process June 2021. Collection method: clinical testing. Allele origin: germline. Affected: yes.

PreventionGenetics, part of Exact Sciences
Classification: Benign. Last evaluated: 2016-02-20. Review status: criteria provided, single submitter. Criteria: ACMG Guidelines, 2015. Collection method: clinical testing. Allele origin: germline.

Breakthrough Genomics
Classification: Benign. Review status: criteria provided, single submitter. Criteria: ACMG Guidelines, 2015. Collection method: not provided. Allele origin: germline. Inheritance: Autosomal recessive inheritance. Affected: yes.

Genetic Services Laboratory, University of Chicago
Classification: Likely benign for AllHighlyPenetrant. Review status: no assertion criteria provided. Collection method: clinical testing. Allele origin: germline. Inheritance: Autosomal recessive inheritance. Not counted in ClinVar's aggregate classification.
Comment: Likely benign based on allele frequency in 1000 Genomes Project or ESP global frequency and its presence in a patient with a rare or unrelated disease phenotype. NOT Sanger confirmed.